The following is an entry in ClinVar:

ClinVar aggregate classification (germline): Uncertain significance (1 of 4 stars; one submission).

Conditions:
Dilated cardiomyopathy 1DD (CMD1DD). Identifiers: Orphanet 154, MedGen C2750995, MONDO:0013168, OMIM 613172.

Submission:

Labcorp Genetics (formerly Invitae), Labcorp
Classification: Uncertain significance for Dilated cardiomyopathy 1DD. Last evaluated: 2025-07-27. Review status: criteria provided, single submitter. Criteria: Invitae Variant Classification Sherloc (09022015). Collection method: clinical testing. Allele origin: germline.
Comment: This sequence change replaces cysteine, which is neutral and slightly polar, with tyrosine, which is neutral and polar, at codon 414 of the RBM20 protein (p.Cys414Tyr). This variant is not present in population databases (gnomAD no frequency). This variant has not been reported in the literature in individuals affected with RBM20-related conditions. Invitae Evidence Modeling of protein sequence and biophysical properties (such as structural, functional, and spatial information, amino acid conservation, physicochemical variation, residue mobility, and thermodynamic stability) indicates that this missense variant is expected to disrupt RBM20 protein function with a positive predictive value of 95%. In summary, the available evidence is currently insufficient to determine the role of this variant in disease. Therefore, it has been classified as a Variant of Uncertain Significance.

NM_001134363.3(RBM20):c.1241G>A (p.Cys414Tyr)

Gene: RBM20 (RNA binding motif protein 20; plus strand). Cytogenetic location: 10q25.2.
Variant type: single nucleotide variant.
Coding change: c.1241G>A on transcript NM_001134363.3 (MANE Select); coding-DNA position 1241, G replaced by A.
Protein change: p.Cys414Tyr; replaces cysteine 414 with tyrosine.
Molecular consequence: missense variant.
Genome position (GRCh38, 1-based): chr10:110,781,850, G>A. VCF-style: chr10-110781850-G-A. GRCh37 (hg19) VCF-style: chr10-112541608-G-A.
Other names: short protein forms C414Y.
Identifiers: ClinVar variation 4802649 (VCV004802649.1).